The following is an entry in ClinVar:

ClinVar aggregate classification (germline): Uncertain significance. Review status: criteria provided, multiple submitters, no conflicts (2 of 4 stars). 2 submissions from 2 submitters: Uncertain significance (2). Last evaluated 2022-05-17.

Allele frequency attached by ClinVar (database versions not stated): gnomAD exomes below 0.00001.
gnomAD v4.1: 1 of 1,608,410 alleles (0.000062%); highest among the groups gnomAD compares: Admixed American, 0.0017%; no homozygotes.

Submissions (2):

Labcorp Genetics (formerly Invitae), Labcorp
Classification: Uncertain significance. Last evaluated: 2022-05-17. Review status: criteria provided, single submitter. Criteria: Invitae Variant Classification Sherloc (09022015). Collection method: clinical testing. Allele origin: germline.
Comment: This variant has not been reported in the literature in individuals affected with ADCY5-related conditions. ClinVar contains an entry for this variant (Variation ID: 546319). Algorithms developed to predict the effect of missense changes on protein structure and function are either unavailable or do not agree on the potential impact of this missense change (SIFT: "Deleterious"; PolyPhen-2: "Possibly Damaging"; Align-GVGD: "Class C0"). In summary, the available evidence is currently insufficient to determine the role of this variant in disease. Therefore, it has been classified as a Variant of Uncertain Significance. The frequency data for this variant in the population databases is considered unreliable, as metrics indicate poor data quality at this position in the gnomAD database. This sequence change replaces methionine, which is neutral and non-polar, with isoleucine, which is neutral and non-polar, at codon 298 of the ADCY5 protein (p.Met298Ile).

GeneDx
Classification: Uncertain significance. Last evaluated: 2018-05-18. Review status: criteria provided, single submitter. Criteria: GeneDx Variant Classification (06012015). Collection method: clinical testing. Allele origin: germline. Affected: yes.
Comment: The M298I variant in the ADCY5 gene has not been reported previously as a pathogenic variant, nor as a benign variant, to our knowledge. The M298I variant is not observed in large population cohorts (Lek et al., 2016). The M298I variant is a conservative amino acid substitution, which is not likely to impact secondary protein structure as these residues share similar properties. In-silico analyses, including protein predictors and evolutionary conservation, support that this variant does not alter protein structure/function. We interpret M298I as a variant of uncertain significance.

NM_183357.3(ADCY5):c.894G>A (p.Met298Ile)

Gene: ADCY5 (adenylate cyclase 5; minus strand). Cytogenetic location: 3q21.1.
Variant type: single nucleotide variant.
Coding change: c.894G>A on transcript NM_183357.3 (MANE Select); coding-DNA position 894, G replaced by A.
Protein change: p.Met298Ile; replaces methionine 298 with isoleucine.
Molecular consequence: missense variant.
Genome position (GRCh38, 1-based): chr3:123,447,652, C>T on the plus strand (G>A on the coding strand, the complement: ADCY5 is on the minus strand). VCF-style: chr3-123447652-C-T. GRCh37 (hg19) VCF-style: chr3-123166499-C-T.
Other names: c.894G>A, p.Met298Ile (NM_001378259.1); short protein forms M298I.
Identifiers: ClinVar variation 546319 (VCV000546319.9), dbSNP rs1320053516, ClinGen allele CA354356371.
Genomic context (GRCh38, chr3:123,447,652, plus strand): 5'-CAGCAGGCCCACCACCTGGACGGCCAGCACCACGGCGATGAGCGCATAGCAGGCCAGGCC[C>T]ATGTGGTCCTGGTGGAAGGCGGCGCGGTTGCAAAGCACAGCCATGATGAGGATCACGCCG-3'
Protein context (NP_899200.1, residues 288-308): CNRAAFHQDH[Met298Ile]GLACYALIAV